The following is an entry in ClinVar:

ClinVar aggregate classification (germline): Likely benign. Review status: criteria provided, multiple submitters, no conflicts (2 of 4 stars). 2 submissions from 2 submitters: Likely benign (2). Last evaluated 2024-07-17.

Conditions:
Familial cancer of breast. Also called: BREAST CANCER, FAMILIAL; Hereditary breast cancer; hereditary breast carcinoma. Identifiers: Orphanet 227535, MedGen C0346153, MONDO:0016419, OMIM 114480. Disease mechanism: loss of function.
Ataxia-telangiectasia syndrome (AT). Also called: LOUIS-BAR SYNDROME; Cerebello-oculocutaneous telangiectasia; Immunodeficiency with ataxia telangiectasia; Ataxia telangiectasia (A-T); Ataxia-telangiectasia, complementation group D; AT, COMPLEMENTATION GROUP C. Identifiers: Orphanet 100, MedGen C0004135, MONDO:0008840, OMIM 208900.

Allele frequency attached by ClinVar (database versions not stated): TOPMed below 0.00001.
gnomAD v4.1: 1 of 1,613,270 alleles (0.000062%); highest among the groups gnomAD compares: Admixed American, 0.0017%; no homozygotes.

Submissions (2):

Labcorp Genetics (formerly Invitae), Labcorp
Classification: Likely benign for Ataxia-telangiectasia syndrome. Last evaluated: 2024-07-17. Review status: criteria provided, single submitter. Criteria: Invitae Variant Classification Sherloc (09022015). Collection method: clinical testing. Allele origin: germline.

Myriad Genetics, Inc.
Classification: Likely benign for Familial cancer of breast. Last evaluated: 2024-06-21. Review status: criteria provided, single submitter. Criteria: Myriad Autosomal Dominant, Autosomal Recessive and X-Linked Classification Criteria (2023). Collection method: clinical testing. Allele origin: unknown.
Comment: This variant is considered likely benign. This variant is intronic and is not expected to impact mRNA splicing.

NM_000051.4(ATM):c.8851-15G>A

Genes: ATM (ATM serine/threonine kinase; plus strand), C11orf65 (chromosome 11 open reading frame 65; minus strand). Cytogenetic location: 11q22.3.
Variant type: single nucleotide variant.
Coding change: c.8851-15G>A on transcript NM_000051.4 (MANE Select); 15 bases into the intron before coding-DNA position 8851, G replaced by A.
Molecular consequence: intron variant.
Genome position (GRCh38, 1-based): chr11:108,365,067, G>A. VCF-style: chr11-108365067-G-A. GRCh37 (hg19) VCF-style: chr11-108235794-G-A.
Other names: c.8851-15G>A (NM_001351834.2); c.640+20853C>T (NM_001330368.2); c.694+20853C>T (NM_001351110.2).
Identifiers: ClinVar variation 1554697 (VCV001554697.9), dbSNP rs1222455348, ClinGen allele CA602132858.